The following is an entry in ClinVar:

ClinVar aggregate classification (germline): Conflicting classifications of pathogenicity. Review status: criteria provided, conflicting classifications (1 of 4 stars). 5 submissions from 5 submitters: Uncertain significance (3); Likely benign (1). 1 of the submissions does not count toward it. Last evaluated 2024-11-04.

Conditions:
POMT1-related disorder. Also called: POMT1-related condition; POMT1-related disorders.
Walker-Warburg congenital muscular dystrophy. Also called: Muscular dystrophy-dystroglycanopathy, type A; Walker-Warburg syndrome. Identifiers: Orphanet 899, MedGen C0265221, MONDO:0000171.
Muscular dystrophy-dystroglycanopathy (congenital with impaired intellectual development), type B, 1. Also called: Muscular dystrophy-dystroglycanopathy (congenital with intellectual disability), type B1; MUSCULAR DYSTROPHY, CONGENITAL, POMT1-RELATED. Identifiers: MedGen C5436962, MONDO:0013159, OMIM 613155.
Autosomal recessive limb-girdle muscular dystrophy type 2K. Also called: MUSCULAR DYSTROPHY-DYSTROGLYCANOPATHY (LIMB-GIRDLE), TYPE C, 1; MUSCULAR DYSTROPHY, LIMB-GIRDLE, TYPE 2K. Identifiers: Orphanet 86812, MedGen C1836373, MONDO:0012248, OMIM 609308.

Allele frequency attached by ClinVar (database versions not stated): gnomAD 0.00003 and 0.00002; gnomAD exomes 0.00009 and 0.00003; 1000 Genomes Project 0.00020; TOPMed 0.00004; ExAC 0.00010; 1000 Genomes Project 30x 0.00016.
gnomAD v4.1: 45 of 1,605,438 alleles (0.0028%); highest among the groups gnomAD compares: Admixed American, 0.032%; no homozygotes.

Submissions (5):

Women's Health and Genetics/Laboratory Corporation of America, LabCorp
Classification: Uncertain significance. Last evaluated: 2024-11-04. Review status: criteria provided, single submitter. Criteria: LabCorp Variant Classification Summary - May 2015. Collection method: clinical testing. Allele origin: germline.

Labcorp Genetics (formerly Invitae), Labcorp
Classification: Uncertain significance for Muscular dystrophy-dystroglycanopathy (congenital with impaired intellectual development), type B, 1; Walker-Warburg congenital muscular dystrophy; Autosomal recessive limb-girdle muscular dystrophy type 2K. Last evaluated: 2024-10-14. Review status: criteria provided, single submitter. Criteria: Invitae Variant Classification Sherloc (09022015). Collection method: clinical testing. Allele origin: germline.
Comment: This sequence change falls in intron 17 of the POMT1 gene. It does not directly change the encoded amino acid sequence of the POMT1 protein. It affects a nucleotide within the consensus splice site. This variant is present in population databases (rs180847856, gnomAD 0.05%). This variant has not been reported in the literature in individuals affected with POMT1-related conditions. ClinVar contains an entry for this variant (Variation ID: 289344). Variants that disrupt the consensus splice site are a relatively common cause of aberrant splicing (PMID: 17576681, 9536098). Algorithms developed to predict the effect of sequence changes on RNA splicing suggest that this variant is not likely to affect RNA splicing. In summary, the available evidence is currently insufficient to determine the role of this variant in disease. Therefore, it has been classified as a Variant of Uncertain Significance.

Blueprint Genetics
Classification: Likely benign. Last evaluated: 2024-04-25. Review status: criteria provided, single submitter. Criteria: ACMG Guidelines, 2015. Collection method: clinical testing. Allele origin: germline.

Eurofins Ntd Llc (ga)
Classification: Uncertain significance. Last evaluated: 2016-07-11. Review status: criteria provided, single submitter. Criteria: EGL Classification Definitions 2015. Collection method: clinical testing. Allele origin: germline. Observed: 2 variant alleles, 2 heterozygotes.

PreventionGenetics, part of Exact Sciences
Classification: Likely benign for POMT1-related condition. Last evaluated: 2023-11-22. Review status: no assertion criteria provided. Collection method: clinical testing. Allele origin: germline. Not counted in ClinVar's aggregate classification.
Comment: This variant is classified as likely benign based on ACMG/AMP sequence variant interpretation guidelines (Richards et al. 2015 PMID: 25741868, with internal and published modifications).

Literature cited by the submitters: PubMed 17576681 (cited by Labcorp Genetics (formerly Invitae), Labcorp); PubMed 9536098 (cited by Labcorp Genetics (formerly Invitae), Labcorp).

NM_001077365.2(POMT1):c.1698+6C>T

Gene: POMT1 (protein O-mannosyltransferase 1; plus strand). Cytogenetic location: 9q34.13.
Variant type: single nucleotide variant.
Coding change: c.1698+6C>T on transcript NM_001077365.2 (MANE Select); 6 bases into the intron after coding-DNA position 1698, C replaced by T.
Molecular consequence: intron variant.
Genome position (GRCh38, 1-based): chr9:131,520,199, C>T. VCF-style: chr9-131520199-C-T. GRCh37 (hg19) VCF-style: chr9-134395586-C-T.
Other names: c.1602+6C>T (NM_001353198.2, NM_001353197.2); c.1764+6C>T (NM_001353193.2, NM_007171.4); c.1698+6C>T (NM_001136113.2); c.1536+6C>T (NM_001353194.2, NM_001077366.2); c.1347+6C>T (NM_001374691.1, NM_001353195.2, NM_001374692.1 and 2 more transcripts); c.1479+6C>T (NM_001374690.1); c.1608+6C>T (NM_001353196.2); c.1308+6C>T (NM_001374695.1); and 3 more.
Identifiers: ClinVar variation 289344 (VCV000289344.17), dbSNP rs180847856, ClinGen allele CA5293780.